The following is an entry in ClinVar:

ClinVar aggregate classification (germline): Uncertain significance (1 of 4 stars; one submission).

Submission:

Labcorp Genetics (formerly Invitae), Labcorp
Classification: Uncertain significance. Last evaluated: 2024-04-16. Review status: criteria provided, single submitter. Criteria: Invitae Variant Classification Sherloc (09022015). Collection method: clinical testing. Allele origin: germline.
Comment: This sequence change replaces glutamic acid, which is acidic and polar, with aspartic acid, which is acidic and polar, at codon 899 of the CTNNA1 protein (p.Glu899Asp). This variant is not present in population databases (gnomAD no frequency). This variant has not been reported in the literature in individuals affected with CTNNA1-related conditions. ClinVar contains an entry for this variant (Variation ID: 1002748). Advanced modeling of protein sequence and biophysical properties (such as structural, functional, and spatial information, amino acid conservation, physicochemical variation, residue mobility, and thermodynamic stability) performed at Invitae indicates that this missense variant is not expected to disrupt CTNNA1 protein function with a negative predictive value of 80%. In summary, the available evidence is currently insufficient to determine the role of this variant in disease. Therefore, it has been classified as a Variant of Uncertain Significance.

NM_001903.5(CTNNA1):c.2697G>T (p.Glu899Asp)

Gene: CTNNA1 (catenin alpha 1; plus strand). Cytogenetic location: 5q31.2.
Variant type: single nucleotide variant.
Coding change: c.2697G>T on transcript NM_001903.5 (MANE Select); coding-DNA position 2697, G replaced by T.
Protein change: p.Glu899Asp; replaces glutamic acid 899 with aspartic acid.
Molecular consequence: missense variant. On other transcripts: 3 prime UTR variant (5).
Genome position (GRCh38, 1-based): chr5:138,934,065, G>T. VCF-style: chr5-138934065-G-T. GRCh37 (hg19) VCF-style: chr5-138269754-G-T.
Other names: c.*242G>T (NM_001290307.3, NM_001324002.1, NM_001324003.1 and 2 more transcripts); c.2388G>T, p.Glu796Asp (NM_001290309.3); c.2328G>T, p.Glu776Asp (NM_001290310.3); c.1587G>T, p.Glu529Asp (NM_001290312.1, NM_001323987.1, NM_001323988.1 and 12 more transcripts); c.2697G>T, p.Glu899Asp (NM_001323982.2, NM_001323983.1, NM_001323984.2); c.2670G>T, p.Glu890Asp (NM_001323985.2); c.2604G>T, p.Glu868Asp (NM_001323986.2); c.1452G>T, p.Glu484Asp (NM_001324001.1); and 3 more; short protein forms E416D, E448D, E484D, E498D, E529D, E776D, E796D, E868D.
Identifiers: ClinVar variation 1002748 (VCV001002748.8), dbSNP rs774921598, ClinGen allele CA361135794.